The following is an entry in ClinVar:

NM_012330.4(KAT6B):c.509C>G (p.Pro170Arg)

Gene: KAT6B (lysine acetyltransferase 6B; plus strand). Cytogenetic location: 10q22.2.
Variant type: single nucleotide variant.
Coding change: c.509C>G on transcript NM_012330.4 (MANE Select); coding-DNA position 509, C replaced by G.
Protein change: p.Pro170Arg; replaces proline 170 with arginine.
Molecular consequence: missense variant. On other transcripts: 5 prime UTR variant (2).
Genome position (GRCh38, 1-based): chr10:74,843,366, C>G. VCF-style: chr10-74843366-C-G. GRCh37 (hg19) VCF-style: chr10-76603124-C-G.
Other names: c.509C>G, p.Pro170Arg (NM_001256468.2, NM_001256469.2, NM_001370132.1 and 10 more transcripts); c.-30C>G (NM_001370134.1, NM_001370135.1); short protein forms P170R.
Identifiers: ClinVar variation 2863574 (VCV002863574.3), dbSNP rs779373950, ClinGen allele CA377400192.

ClinVar aggregate classification (germline): Uncertain significance (1 of 4 stars; one submission).

Conditions:
Genitopatellar syndrome (GTPTS). Also called: Genitopatellar syndrome (GPS); ABSENT PATELLAE, SCROTAL HYPOPLASIA, RENAL ANOMALIES, FACIAL DYSMORPHISM, AND MENTAL RETARDATION. Identifiers: Orphanet 85201, MedGen C1853566, MONDO:0011640, OMIM 606170.

Submission:

Labcorp Genetics (formerly Invitae), Labcorp
Classification: Uncertain significance for Genitopatellar syndrome. Last evaluated: 2023-05-12. Review status: criteria provided, single submitter. Criteria: Invitae Variant Classification Sherloc (09022015). Collection method: clinical testing. Allele origin: germline.
Comment: This sequence change replaces proline, which is neutral and non-polar, with arginine, which is basic and polar, at codon 170 of the KAT6B protein (p.Pro170Arg). This variant is not present in population databases (gnomAD no frequency). This variant has not been reported in the literature in individuals affected with KAT6B-related conditions. Advanced modeling of protein sequence and biophysical properties (such as structural, functional, and spatial information, amino acid conservation, physicochemical variation, residue mobility, and thermodynamic stability) performed at Invitae indicates that this missense variant is not expected to disrupt KAT6B protein function. In summary, the available evidence is currently insufficient to determine the role of this variant in disease. Therefore, it has been classified as a Variant of Uncertain Significance.